The following is an entry in ClinVar:

ClinVar aggregate classification (germline): Uncertain significance. Review status: criteria provided, multiple submitters, no conflicts (2 of 4 stars). 3 submissions from 3 submitters: Uncertain significance (3). Last evaluated 2025-02-06.

Conditions:
Inborn genetic diseases. Identifiers: MedGen C0950123, MeSH D030342.
Fanconi anemia (FA). Also called: Fanconi's anemia. Identifiers: Orphanet 84, MedGen C0015625, MeSH D005199, MONDO:0019391.

Allele frequency attached by ClinVar (database versions not stated): gnomAD exomes below 0.00001; TOPMed 0.00002.
gnomAD v4.1: 3 of 1,611,700 alleles (0.00019%); highest among the groups gnomAD compares: Non-Finnish European, 0.00025%; no homozygotes.

Submissions (3):

Labcorp Genetics (formerly Invitae), Labcorp
Classification: Uncertain significance for Fanconi anemia. Last evaluated: 2025-02-06. Review status: criteria provided, single submitter. Criteria: Invitae Variant Classification Sherloc (09022015). Collection method: clinical testing. Allele origin: germline.
Comment: This sequence change replaces lysine, which is basic and polar, with glutamic acid, which is acidic and polar, at codon 1496 of the FANCM protein (p.Lys1496Glu). This variant is not present in population databases (gnomAD no frequency). This variant has not been reported in the literature in individuals affected with FANCM-related conditions. ClinVar contains an entry for this variant (Variation ID: 2705724). An algorithm developed to predict the effect of missense changes on protein structure and function (PolyPhen-2) suggests that this variant is likely to be tolerated. In summary, the available evidence is currently insufficient to determine the role of this variant in disease. Therefore, it has been classified as a Variant of Uncertain Significance.

Ambry Genetics
Classification: Uncertain significance for Inborn genetic diseases. Last evaluated: 2025-01-19. Review status: criteria provided, single submitter. Criteria: Ambry Variant Classification Scheme 2023. Collection method: clinical testing. Allele origin: germline.
Comment: The p.K1496E variant (also known as c.4486A>G), located in coding exon 17 of the FANCM gene, results from an A to G substitution at nucleotide position 4486. The lysine at codon 1496 is replaced by glutamic acid, an amino acid with similar properties. This amino acid position is conserved. In addition, this alteration is predicted to be tolerated by in silico analysis. Based on the available evidence, the clinical significance of this variant remains unclear.

GeneDx
Classification: Uncertain significance. Last evaluated: 2023-06-15. Review status: criteria provided, single submitter. Criteria: GeneDx Variant Classification Process June 2021. Collection method: clinical testing. Allele origin: germline. Affected: yes.
Comment: Not observed at significant frequency in large population cohorts (gnomAD); In silico analysis supports that this missense variant does not alter protein structure/function; Has not been previously published as pathogenic or benign to our knowledge

NM_020937.4(FANCM):c.4486A>G (p.Lys1496Glu)

Gene: FANCM (FA complementation group M; plus strand). Cytogenetic location: 14q21.2.
Variant type: single nucleotide variant.
Coding change: c.4486A>G on transcript NM_020937.4 (MANE Select); coding-DNA position 4486, A replaced by G.
Protein change: p.Lys1496Glu; replaces lysine 1496 with glutamic acid.
Molecular consequence: missense variant.
Genome position (GRCh38, 1-based): chr14:45,183,873, A>G. VCF-style: chr14-45183873-A-G. GRCh37 (hg19) VCF-style: chr14-45653076-A-G.
Other names: c.4408A>G, p.Lys1470Glu (NM_001308133.2); short protein forms K1470E, K1496E.
Identifiers: ClinVar variation 2705724 (VCV002705724.5), dbSNP rs924227208, ClinGen allele CA259634118.
Genomic context (GRCh38, chr14:45,183,873, plus strand): 5'-AAACCATGTTCACAATTAGAAGACTTCAAGGTTTGTAACGGGAATGCCAGAAGAGGCATC[A>G]AAGTCCCAAAGAGACAGAGTCACTTAAAGGTAATCTTTTTTTTAGTTTCTTTAAATATGT-3'
Protein context (NP_065988.1, residues 1486-1506): VCNGNARRGI[Lys1496Glu]VPKRQSHLKH